The following is an entry in ClinVar:

NM_153026.3(PRICKLE1):c.1330A>C (p.Ile444Leu)

Gene: PRICKLE1 (prickle planar cell polarity protein 1; minus strand). Cytogenetic location: 12q12.
Variant type: single nucleotide variant.
Coding change: c.1330A>C on transcript NM_153026.3 (MANE Select); coding-DNA position 1330, A replaced by C.
Protein change: p.Ile444Leu; replaces isoleucine 444 with leucine.
Molecular consequence: missense variant.
Genome position (GRCh38, 1-based): chr12:42,464,704, T>G on the plus strand (A>C on the coding strand, the complement: PRICKLE1 is on the minus strand). VCF-style: chr12-42464704-T-G. GRCh37 (hg19) VCF-style: chr12-42858506-T-G.
Other names: c.1330A>C, p.Ile444Leu (NM_001144881.2, NM_001144882.2, NM_001144883.2); short protein forms I444L.
Identifiers: ClinVar variation 834223 (VCV000834223.10), dbSNP rs146199468, ClinGen allele CA6519770.
Genomic context (GRCh38, chr12:42,464,704, plus strand): 5'-TTGCAAGGCTCTGGTTATTTTGCTTTAACTCGGTCTTACTTTTAACCATGTTATCAGATA[T>G]CCAGTGCTCACTGGCTCGAATATCCATCTCATTGGGCTGTGGCTGAAAGAGGCTTTTATC-3'
Protein context (NP_694571.2, residues 434-454): EMDIRASEHW[Ile444Leu]SDNMVKSKTE

ClinVar aggregate classification (germline): Uncertain significance. Review status: criteria provided, multiple submitters, no conflicts (2 of 4 stars). 2 submissions from 2 submitters: Uncertain significance (2). Last evaluated 2025-10-21.

Conditions:
Epilepsy, progressive myoclonic, 1B. Also called: PME. Identifiers: Orphanet 308, MedGen C2676254, MONDO:0012904, OMIM 612437.

Allele frequency attached by ClinVar (database versions not stated): TOPMed 0.00004; gnomAD 0.00005; ESP Exome Variant Server 0.00015; gnomAD exomes 0.00003 and 0.00004; ExAC 0.00004.
gnomAD v4.1: 66 of 1,613,996 alleles (0.0041%); highest among the groups gnomAD compares: Admixed American, 0.0067%; no homozygotes.

Submissions (2):

Labcorp Genetics (formerly Invitae), Labcorp
Classification: Uncertain significance for Epilepsy, progressive myoclonic, 1B. Last evaluated: 2025-10-21. Review status: criteria provided, single submitter. Criteria: Invitae Variant Classification Sherloc (09022015). Collection method: clinical testing. Allele origin: germline.
Comment: This sequence change replaces isoleucine, which is neutral and non-polar, with leucine, which is neutral and non-polar, at codon 444 of the PRICKLE1 protein (p.Ile444Leu). This variant is present in population databases (rs146199468, gnomAD 0.006%). This variant has not been reported in the literature in individuals affected with PRICKLE1-related conditions. ClinVar contains an entry for this variant (Variation ID: 834223). Invitae Evidence Modeling of protein sequence and biophysical properties (such as structural, functional, and spatial information, amino acid conservation, physicochemical variation, residue mobility, and thermodynamic stability) indicates that this missense variant is not expected to disrupt PRICKLE1 protein function with a negative predictive value of 80%. In summary, the available evidence is currently insufficient to determine the role of this variant in disease. Therefore, it has been classified as a Variant of Uncertain Significance.

Ambry Genetics
Classification: Uncertain significance. Last evaluated: 2025-10-06. Review status: criteria provided, single submitter. Criteria: Ambry Variant Classification Scheme 2023. Collection method: clinical testing. Allele origin: germline.